The following is an entry in ClinVar:

NM_001372233.1(KCNN2):c.22+3G>C

Genes: KCNN2 (potassium calcium-activated channel subfamily N member 2; plus strand), LOC129994383 (ATAC-STARR-seq lymphoblastoid silent region 16244; plus strand). Cytogenetic location: 5q22.3.
Variant type: single nucleotide variant.
Coding change: c.22+3G>C on transcript NM_001372233.1; 3 bases into the intron after coding-DNA position 22, G replaced by C.
Molecular consequence: intron variant.
Genome position (GRCh38, 1-based): chr5:114,361,153, G>C. VCF-style: chr5-114361153-G-C. GRCh37 (hg19) VCF-style: chr5-113696850-G-C.
Identifiers: ClinVar variation 5040458 (VCV005040458.1).

ClinVar aggregate classification (germline): Uncertain significance (1 of 4 stars; one submission).

gnomAD v4.1: 3 of 152,268 alleles (0.002%); highest among the groups gnomAD compares: African/African-American, 0.0048%; no homozygotes.

Submission:

CeGaT Center for Human Genetics Tuebingen
Classification: Uncertain significance. Last evaluated: 2026-08-01. Review status: criteria provided, single submitter. Criteria: CeGaT Center For Human Genetics Tuebingen Variant Classification Criteria Version 2. Collection method: clinical testing. Allele origin: germline. Affected: yes. Observed: 1 variant allele.
Comment: KCNN2: PM2, PP3